The following is an entry in ClinVar:

ClinVar aggregate classification (germline): Uncertain significance (1 of 4 stars; one submission).

Submission:

Labcorp Genetics (formerly Invitae), Labcorp
Classification: Uncertain significance. Last evaluated: 2022-02-10. Review status: criteria provided, single submitter. Criteria: Invitae Variant Classification Sherloc (09022015). Collection method: clinical testing. Allele origin: germline.
Comment: This sequence change replaces serine, which is neutral and polar, with tyrosine, which is neutral and polar, at codon 222 of the SLC45A2 protein (p.Ser222Tyr). This variant is not present in population databases (gnomAD no frequency). This variant has not been reported in the literature in individuals affected with SLC45A2-related conditions. Algorithms developed to predict the effect of missense changes on protein structure and function are either unavailable or do not agree on the potential impact of this missense change (SIFT: "Deleterious"; PolyPhen-2: "Probably Damaging"; Align-GVGD: "Class C0"). In summary, the available evidence is currently insufficient to determine the role of this variant in disease. Therefore, it has been classified as a Variant of Uncertain Significance.

NM_016180.5(SLC45A2):c.665C>A (p.Ser222Tyr)

Gene: SLC45A2 (solute carrier family 45 member 2; minus strand). Cytogenetic location: 5p13.2.
Variant type: single nucleotide variant.
Coding change: c.665C>A on transcript NM_016180.5 (MANE Select); coding-DNA position 665, C replaced by A.
Protein change: p.Ser222Tyr; replaces serine 222 with tyrosine.
Molecular consequence: missense variant. On other transcripts: intron variant (1).
Genome position (GRCh38, 1-based): chr5:33,963,914, G>T on the plus strand (C>A on the coding strand, the complement: SLC45A2 is on the minus strand). VCF-style: chr5-33963914-G-T. GRCh37 (hg19) VCF-style: chr5-33964019-G-T.
Other names: c.665C>A, p.Ser222Tyr (NM_001012509.4); c.563-9410C>A (NM_001297417.4); short protein forms S222Y.
Identifiers: ClinVar variation 2167602 (VCV002167602.1), dbSNP rs1316525295, ClinGen allele CA359394044.
Genomic context (GRCh38, chr5:33,963,914, plus strand): 5'-AGTGGGGCTTCAGAGATACTGCACAGATGAACAGTAAAACACAAAGTGAGCACCAATGCA[G>T]AGAAGAAGAACATGACCTGGAATTCTGTACCCAACAGTCTTCCCAGCTCCAGATGGGCCC-3'
Protein context (NP_057264.4, residues 212-232): GTEFQVMFFF[Ser222Tyr]ALVLTLCFTV